The following is an entry in ClinVar:

NC_000015.9:g.(?_32964839)_(33004986_?)dup

Genes: GREM1 (gremlin 1, DAN family BMP antagonist; plus strand), SCG5 (secretogranin V; plus strand). Cytogenetic location: 15q13.3.
Variant type: Duplication.
Identifiers: ClinVar variation 1411764 (VCV001411764.4).

ClinVar aggregate classification (germline): Uncertain significance (1 of 4 stars; one submission).

Conditions:
Familial colorectal cancer. Identifiers: MedGen CN280943, MONDO:0023113. Disease mechanism: loss of function.

Submission:

Labcorp Genetics (formerly Invitae), Labcorp
Classification: Uncertain significance for Familial colorectal cancer. Last evaluated: 2021-01-30. Review status: criteria provided, single submitter. Criteria: Invitae Variant Classification Sherloc (09022015). Collection method: clinical testing. Allele origin: germline.
Comment: In summary, the available evidence is currently insufficient to determine the role of this variant in disease. Therefore, it has been classified as a Variant of Uncertain Significance. Two different tandem duplications (40 kb and 16 kb) spanning the 3' end of the SCG5 gene and the region upstream of the GREM1 gene have been reported in families with hereditary mixed polyposis syndrome (PMID: 22561515, 25992589, 26493165). However, the gain identified in this individual is different from those variants, and therefore the impact of the additional duplicated sequences on GREM1 expression and function has not been established. This variant results in a copy number gain of the genomic region encompassing the promoter of the GREM1 gene. The precise boundaries of this event are unknown.

Literature cited by the submitters: PubMed 22561515; PubMed 25992589; PubMed 26493165.